The following is an entry in ClinVar:

ClinVar aggregate classification (germline): Pathogenic (1 of 4 stars; one submission).

Conditions:
Heterotopia, periventricular, X-linked dominant (PVNH1). Also called: PERIVENTRICULAR NODULAR HETEROTOPIA 4; HETEROTOPIA, PERIVENTRICULAR, 1; PERIVENTRICULAR NODULAR HETEROTOPIA 1; X-linked periventricular heterotopia. Identifiers: Orphanet 2149, Orphanet 82004, MedGen C1848213, MONDO:0010233, OMIM 300049.
Oto-palato-digital syndrome, type II (OPD2). Also called: Otopalatodigital Syndrome, Type II; FACIOPALATOOSSEOUS SYNDROME; OPD II SYNDROME; Otopalatodigital Syndrome Type 2 (FLNA-OPD2). Identifiers: Orphanet 669, Orphanet 90652, MedGen C1844696, MONDO:0010571, OMIM 304120.
Melnick-Needles syndrome (MNS). Also called: MELNICK-NEEDLES OSTEODYSPLASTY; OSTEODYSPLASTY OF MELNICK AND NEEDLES; Melnick-Needles Syndrome (FLNA-MNS). Identifiers: Orphanet 2484, MedGen C0025237, MONDO:0010650, OMIM 309350.
Frontometaphyseal dysplasia (FMD1). Identifiers: Orphanet 1826, MedGen C0265293, MONDO:0015942.

Submission:

Labcorp Genetics (formerly Invitae), Labcorp
Classification: Pathogenic for Oto-palato-digital syndrome, type II; Heterotopia, periventricular, X-linked dominant; Frontometaphyseal dysplasia; Melnick-Needles syndrome. Last evaluated: 2025-03-24. Review status: criteria provided, single submitter. Criteria: Invitae Variant Classification Sherloc (09022015). Collection method: clinical testing. Allele origin: germline.
Comment: This sequence change creates a premature translational stop signal (p.Gln1708*) in the FLNA gene. It is expected to result in an absent or disrupted protein product. Loss-of-function variants in FLNA are known to be pathogenic (PMID: 16684786, 20730588, 26471271). This variant is not present in population databases (gnomAD no frequency). This variant has not been reported in the literature in individuals affected with FLNA-related conditions. For these reasons, this variant has been classified as Pathogenic.

Literature cited by the submitters: PubMed 16684786; PubMed 20730588; PubMed 26471271.

NM_001110556.2(FLNA):c.5146C>T (p.Gln1716Ter)

Gene: FLNA (filamin A; minus strand). Cytogenetic location: Xq28.
Variant type: single nucleotide variant.
Coding change: c.5146C>T on transcript NM_001110556.2 (MANE Select); coding-DNA position 5146, C replaced by T.
Protein change: p.Gln1716Ter; replaces glutamine 1716 with a stop codon.
Molecular consequence: nonsense.
Genome position (GRCh38, 1-based): chrX:154,354,896, G>A on the plus strand (C>T on the coding strand, the complement: FLNA is on the minus strand). VCF-style: chrX-154354896-G-A. GRCh37 (hg19) VCF-style: chrX-153583264-G-A.
Other names: c.5122C>T, p.Gln1708Ter (NM_001456.4); short protein forms Q1708*, Q1716*.
Identifiers: ClinVar variation 4784522 (VCV004784522.1).